The following is an entry in ClinVar:

ClinVar aggregate classification (germline): Uncertain significance. Review status: criteria provided, multiple submitters, no conflicts (2 of 4 stars). 2 submissions from 2 submitters: Uncertain significance (2). Last evaluated 2025-12-08.

Conditions:
Inborn genetic diseases. Identifiers: MedGen C0950123, MeSH D030342.

Allele frequency attached by ClinVar (database versions not stated): gnomAD 0.00003; TOPMed 0.00003; ESP Exome Variant Server 0.00008.
gnomAD v4.1: 5 of 1,591,008 alleles (0.00031%); highest among the groups gnomAD compares: African/African-American, 0.0068%; no homozygotes.

Submissions (2):

Ambry Genetics
Classification: Uncertain significance for Inborn genetic diseases. Last evaluated: 2025-12-08. Review status: criteria provided, single submitter. Criteria: Ambry Variant Classification Scheme 2023. Collection method: clinical testing. Allele origin: germline.

Labcorp Genetics (formerly Invitae), Labcorp
Classification: Uncertain significance. Last evaluated: 2025-06-12. Review status: criteria provided, single submitter. Criteria: Invitae Variant Classification Sherloc (09022015). Collection method: clinical testing. Allele origin: germline.
Comment: This sequence change replaces glutamine, which is neutral and polar, with glutamic acid, which is acidic and polar, at codon 394 of the PIBF1 protein (p.Gln394Glu). This variant is present in population databases (rs140502969, gnomAD 0.004%). This variant has not been reported in the literature in individuals affected with PIBF1-related conditions. ClinVar contains an entry for this variant (Variation ID: 1907920). Invitae Evidence Modeling of protein sequence and biophysical properties (such as structural, functional, and spatial information, amino acid conservation, physicochemical variation, residue mobility, and thermodynamic stability) indicates that this missense variant is not expected to disrupt PIBF1 protein function with a negative predictive value of 80%. In summary, the available evidence is currently insufficient to determine the role of this variant in disease. Therefore, it has been classified as a Variant of Uncertain Significance.

NM_006346.4(PIBF1):c.1180C>G (p.Gln394Glu)

Gene: PIBF1 (progesterone immunomodulatory binding factor 1; plus strand). Cytogenetic location: 13q22.1.
Variant type: single nucleotide variant.
Coding change: c.1180C>G on transcript NM_006346.4 (MANE Select); coding-DNA position 1180, C replaced by G.
Protein change: p.Gln394Glu; replaces glutamine 394 with glutamic acid.
Molecular consequence: missense variant. On other transcripts: non-coding transcript variant (2).
Genome position (GRCh38, 1-based): chr13:72,835,325, C>G. VCF-style: chr13-72835325-C-G. GRCh37 (hg19) VCF-style: chr13-73409463-C-G.
Other names: c.1180C>G, p.Gln394Glu (NM_001349655.2); c.1180C>G (NM_006346.2); short protein forms Q394E.
Identifiers: ClinVar variation 1907920 (VCV001907920.6), dbSNP rs140502969, ClinGen allele CA252145794.